The following is an entry in ClinVar:

NM_005732.4(RAD50):c.3428T>A (p.Ile1143Asn)

Genes: TH2LCRR (T helper type 2 locus control region associated RNA; minus strand), TH2-LCR (Th2 cytokine locus control region; plus strand), RAD50 (RAD50 double strand break repair protein; plus strand). Cytogenetic location: 5q31.1.
Variant type: single nucleotide variant.
Coding change: c.3428T>A on transcript NM_005732.4 (MANE Select); coding-DNA position 3428, T replaced by A.
Protein change: p.Ile1143Asn; replaces isoleucine 1143 with asparagine.
Molecular consequence: missense variant.
Genome position (GRCh38, 1-based): chr5:132,637,153, T>A. VCF-style: chr5-132637153-T-A. GRCh37 (hg19) VCF-style: chr5-131972845-T-A.
Other names: short protein forms I1143N.
Identifiers: ClinVar variation 2565935 (VCV002565935.3), dbSNP rs2479424745, ClinGen allele CA360930141.

ClinVar aggregate classification (germline): Uncertain significance (1 of 4 stars; one submission).

Conditions:
Hereditary cancer-predisposing syndrome. Also called: Neoplastic Syndromes, Hereditary; Hereditary Cancer Syndrome; Hereditary neoplastic syndrome; Tumor predisposition. Identifiers: Orphanet 140162, MedGen C0027672, MeSH D009386, MONDO:0015356.

Submission:

Ambry Genetics
Classification: Uncertain significance for Hereditary cancer-predisposing syndrome. Last evaluated: 2025-08-19. Review status: criteria provided, single submitter. Criteria: Ambry Variant Classification Scheme 2023. Collection method: clinical testing. Allele origin: germline.
Comment: The p.I1143N variant (also known as c.3428T>A), located in coding exon 22 of the RAD50 gene, results from a T to A substitution at nucleotide position 3428. The isoleucine at codon 1143 is replaced by asparagine, an amino acid with dissimilar properties. This amino acid position is conserved. In addition, this alteration is predicted to be deleterious by in silico analysis. Since supporting evidence is limited at this time, the clinical significance of this alteration remains unclear.